The following is an entry in ClinVar:

NM_001377299.1(NDUFS2):c.1290C>T (p.Ala430=)

Gene: NDUFS2 (NADH:ubiquinone oxidoreductase core subunit S2; plus strand). Cytogenetic location: 1q23.3.
Variant type: single nucleotide variant.
Coding change: c.1290C>T on transcript NM_001377299.1 (MANE Select); coding-DNA position 1290, C replaced by T.
Protein change: p.Ala430=; no amino-acid change (alanine 430 retained).
Molecular consequence: synonymous variant. On other transcripts: non-coding transcript variant (1).
Genome position (GRCh38, 1-based): chr1:161,213,726, C>T. VCF-style: chr1-161213726-C-T. GRCh37 (hg19) VCF-style: chr1-161183516-C-T.
Other names: c.1290C>T, p.Ala430= (NM_001166159.2, NM_001377298.1, NM_001377300.1 and 3 more transcripts).
Identifiers: ClinVar variation 129698 (VCV000129698.24), dbSNP rs1136207, ClinGen allele CA153867.
Genomic context (GRCh38, chr1:161,213,726, plus strand): 5'-CCTGGTGTCTGATGGCAGCAGCCGCCCTTATCGATGCAAGATCAAGGCTCCTGGTTTTGC[C>T]CATCTGGTAAGAATCAATCCCAGTAACTATAACTCCAATGAATTAAACCTGACCTTGGTT-3'
Protein context (NP_001364228.1, residues 420-440): YRCKIKAPGF[Ala430=]HLAGLDKMSK

ClinVar aggregate classification (germline): Benign. Review status: criteria provided, multiple submitters, no conflicts (2 of 4 stars). 7 submissions from 7 submitters: Benign (5). 2 of the submissions do not count toward it. Last evaluated 2026-02-02.

Conditions:
Mitochondrial complex I deficiency, nuclear type 1. Also called: NADH-COENZYME Q REDUCTASE DEFICIENCY; MITOCHONDRIAL NADH DEHYDROGENASE COMPONENT OF COMPLEX I, DEFICIENCY OF. Identifiers: MedGen C6022305, MONDO:0100224, OMIM 252010.
Mitochondrial complex I deficiency, nuclear type 6. Also called: Mitochondrial complex 1 deficiency, nuclear type 6. Identifiers: MedGen C4748759, MONDO:0032611, OMIM 618228.

Allele frequency attached by ClinVar (database versions not stated): ESP Exome Variant Server 0.10595; gnomAD 0.11971 and 0.12317; TOPMed 0.12953; gnomAD exomes 0.13915 and 0.15775; ExAC 0.15233; 1000 Genomes Project 30x 0.15412; 1000 Genomes Project 0.15815.
gnomAD v4.1: 222,520 of 1,613,872 alleles (14%); highest among the groups gnomAD compares: East Asian, 33%; 17,249 homozygotes.

Submissions (7):

Labcorp Genetics (formerly Invitae), Labcorp
Classification: Benign. Last evaluated: 2026-02-02. Review status: criteria provided, single submitter. Criteria: Invitae Variant Classification Sherloc (09022015). Collection method: clinical testing. Allele origin: germline.

Genome-Nilou Lab
Classification: Benign for Mitochondrial complex I deficiency, nuclear type 6. Last evaluated: 2023-04-11. Review status: criteria provided, single submitter. Criteria: ACMG Guidelines, 2015. Collection method: clinical testing. Allele origin: germline. Affected: no.

Illumina Laboratory Services, Illumina
Classification: Benign for Mitochondrial complex I deficiency, nuclear type 1. Last evaluated: 2018-01-13. Review status: criteria provided, single submitter. Criteria: ICSL Variant Classification Criteria 13 December 2019. Collection method: clinical testing. Allele origin: germline.
Comment: This variant was observed in the ICSL laboratory as part of a predisposition screen in an ostensibly healthy population. It had not been previously curated by ICSL or reported in the Human Gene Mutation Database (HGMD: prior to June 1st, 2018), and was therefore a candidate for classification through an automated scoring system. Utilizing variant allele frequency, disease prevalence and penetrance estimates, and inheritance mode, an automated score was calculated to assess if this variant is too frequent to cause the disease. Based on the score and internal cut-off values, a variant classified as benign is not then subjected to further curation. The score for this variant resulted in a classification of benign for this disease.

GeneDx
Classification: Benign. Last evaluated: 2015-03-03. Review status: criteria provided, single submitter. Criteria: GeneDx Variant Classification Process June 2021. Collection method: clinical testing. Allele origin: germline. Affected: yes.

Breakthrough Genomics
Classification: Benign. Review status: criteria provided, single submitter. Criteria: ACMG Guidelines, 2015. Collection method: not provided. Allele origin: germline. Inheritance: Autosomal recessive inheritance. Affected: yes.

Mayo Clinic Laboratories, Mayo Clinic
Classification: Benign. Last evaluated: 2016-02-22. Review status: no assertion criteria provided. Collection method: clinical testing. Allele origin: unknown. Not counted in ClinVar's aggregate classification.

Genetic Services Laboratory, University of Chicago
Classification: Likely benign for AllHighlyPenetrant. Review status: no assertion criteria provided. Collection method: clinical testing. Allele origin: germline. Inheritance: Autosomal recessive inheritance. Not counted in ClinVar's aggregate classification.
Comment: Likely benign based on allele frequency in 1000 Genomes Project or ESP global frequency and its presence in a patient with a rare or unrelated disease phenotype. NOT Sanger confirmed.